The following is an entry in ClinVar:

NC_000007.13:g.(?_33296828)_(33297042_?)dup

Gene: BBS9 (Bardet-Biedl syndrome 9; plus strand). Cytogenetic location: 7p14.3.
Variant type: Duplication.
Identifiers: ClinVar variation 3245738 (VCV003245738.1).

ClinVar aggregate classification (germline): Likely pathogenic (1 of 4 stars; one submission).

Conditions:
Bardet-Biedl syndrome (BBS). Identifiers: Orphanet 110, MedGen C0752166, MONDO:0015229.

Submission:

Labcorp Genetics (formerly Invitae), Labcorp
Classification: Likely pathogenic for Bardet-Biedl syndrome. Last evaluated: 2023-10-11. Review status: criteria provided, single submitter. Criteria: Invitae Variant Classification Sherloc (09022015). Collection method: clinical testing. Allele origin: unknown.
Comment: This variant results in a copy number gain of the genomic region encompassing exon(s) 6 of the BBS9 gene. While the exact position of this variant cannot be determined from the data, sub-genic copy number gains are generally in tandem (PMID: 25640679). This variant is predicted to be out-of-frame, and may result in an absent or disrupted protein product. Loss-of-function variants in BBS9 are known to be pathogenic (PMID: 16380913, 20177705). This variant has not been reported in the literature in individuals affected with BBS9-related conditions. In summary, the currently available evidence indicates that the variant is pathogenic, but additional data are needed to prove that conclusively. Therefore, this variant has been classified as Likely Pathogenic.

Literature cited by the submitters: PubMed 25640679; PubMed 16380913; PubMed 20177705.